The following is an entry in ClinVar:

ClinVar aggregate classification (germline): Pathogenic (1 of 4 stars; one submission).

Conditions:
Polycystic kidney disease 2 (PKD2). Also called: POLYCYSTIC KIDNEY DISEASE, ADULT, TYPE II; Polycystic Kidney Disease 2, Autosomal Dominant; POLYCYSTIC KIDNEY DISEASE 2 WITH OR WITHOUT POLYCYSTIC LIVER DISEASE. Identifiers: MedGen C2751306, MONDO:0013131, OMIM 613095.

Submission:

Victorian Clinical Genetics Services, Murdoch Childrens Research Institute
Classification: Pathogenic for Polycystic kidney disease 2. Last evaluated: 2024-10-09. Review status: criteria provided, single submitter. Criteria: ACMG Guidelines, 2015. Collection method: clinical testing. Allele origin: germline. Inheritance: Autosomal dominant inheritance. Affected: yes.
Comment: Based on the classification scheme VCGS_Germline_v1.3.4, this variant is classified as Pathogenic. Following criteria are met: 0102 - Loss of function is a known mechanism of disease in this gene and is associated with polycystic kidney disease 2 (MIM#613095). (I) 0107 - This gene is associated with autosomal dominant disease. (I) 0201 - Variant is predicted to cause nonsense-mediated decay (NMD) and loss of protein (premature termination codon is located at least 54 nucleotides upstream of the final exon-exon junction). (SP) 0251 - This variant is heterozygous. (I) 0301 - Variant is absent from gnomAD (both v2 and v3). (SP) 0701 - Many other NMD-predicted variants comparable to the one identified in this case have very strong previous evidence for pathogenicity (DECIPHER). (SP) 0807 - This variant has no previous evidence of pathogenicity. (I) 0905 - No published segregation evidence has been identified for this variant. (I) 1007 - No published functional evidence has been identified for this variant. (I) 1208 - Inheritance information for this variant is not currently available in this individual. (I) Legend: (SP) - Supporting pathogenic, (I) - Information, (SB) - Supporting benign

NM_000297.4(PKD2):c.1322T>A (p.Leu441Ter)

Gene: PKD2 (polycystin 2, transient receptor potential cation channel; plus strand). Cytogenetic location: 4q22.1.
Variant type: single nucleotide variant.
Coding change: c.1322T>A on transcript NM_000297.4 (MANE Select); coding-DNA position 1322, T replaced by A.
Protein change: p.Leu441Ter; replaces leucine 441 with a stop codon.
Molecular consequence: nonsense. On other transcripts: non-coding transcript variant (1).
Genome position (GRCh38, 1-based): chr4:88,046,644, T>A. VCF-style: chr4-88046644-T-A. GRCh37 (hg19) VCF-style: chr4-88967796-T-A.
Other names: short protein forms L441*.
Identifiers: ClinVar variation 3377081 (VCV003377081.1).
Genomic context (GRCh38, chr4:88,046,644, plus strand): 5'-CTGGCTGTATTCATGTGTTGTTGTTGTTATTGTTTTAATTGTTCTTATTTACATGCAGGT[T>A]ATTGGTTGAATTCCCAGCAACAGGTGGTGTGATTCCATCTTGGCAATTTCAGCCTTTAAA-3'